The following is an entry in ClinVar:

ClinVar aggregate classification (germline): Uncertain significance (1 of 4 stars; one submission).

Conditions:
Fanconi anemia (FA). Also called: Fanconi's anemia. Identifiers: Orphanet 84, MedGen C0015625, MeSH D005199, MONDO:0019391.

Allele frequency attached by ClinVar (database versions not stated): gnomAD exomes below 0.00001.
gnomAD v4.1: 1 of 1,562,084 alleles (0.000064%); highest among the groups gnomAD compares: Non-Finnish European, 0.000087%; no homozygotes.

Submission:

Labcorp Genetics (formerly Invitae), Labcorp
Classification: Uncertain significance for Fanconi anemia. Last evaluated: 2020-03-05. Review status: criteria provided, single submitter. Criteria: Invitae Variant Classification Sherloc (09022015). Collection method: clinical testing. Allele origin: germline.
Comment: In summary, the available evidence is currently insufficient to determine the role of this variant in disease. Therefore, it has been classified as a Variant of Uncertain Significance. Algorithms developed to predict the effect of missense changes on protein structure and function (SIFT, PolyPhen-2, Align-GVGD) all suggest that this variant is likely to be disruptive, but these predictions have not been confirmed by published functional studies and their clinical significance is uncertain. This variant has not been reported in the literature in individuals with FANCA-related conditions. This variant is not present in population databases (ExAC no frequency). This sequence change replaces leucine with proline at codon 1126 of the FANCA protein (p.Leu1126Pro). The leucine residue is highly conserved and there is a moderate physicochemical difference between leucine and proline.

NM_000135.4(FANCA):c.3377T>C (p.Leu1126Pro)

Genes: FANCA (FA complementation group A; minus strand), LOC132090450 (Neanderthal introgressed variant-containing enhancer experimental_46718; plus strand). Cytogenetic location: 16q24.3.
Variant type: single nucleotide variant.
Coding change: c.3377T>C on transcript NM_000135.4 (MANE Select); coding-DNA position 3377, T replaced by C.
Protein change: p.Leu1126Pro; replaces leucine 1126 with proline.
Molecular consequence: missense variant.
Genome position (GRCh38, 1-based): chr16:89,746,862, A>G on the plus strand (T>C on the coding strand, the complement: FANCA is on the minus strand). VCF-style: chr16-89746862-A-G. GRCh37 (hg19) VCF-style: chr16-89813270-A-G.
Other names: c.3377T>C, p.Leu1126Pro (NM_001286167.3); short protein forms L1126P.
Identifiers: ClinVar variation 1001918 (VCV001001918.9), dbSNP rs2038408800, ClinGen allele CA397486105.